The following is an entry in ClinVar:

NM_001379286.1(ZNF423):c.3317G>A (p.Arg1106His)

Gene: ZNF423 (zinc finger protein 423; minus strand). Cytogenetic location: 16q12.1.
Variant type: single nucleotide variant.
Coding change: c.3317G>A on transcript NM_001379286.1 (MANE Select); coding-DNA position 3317, G replaced by A.
Protein change: p.Arg1106His; replaces arginine 1106 with histidine.
Molecular consequence: missense variant.
Genome position (GRCh38, 1-based): chr16:49,635,859, C>T on the plus strand (G>A on the coding strand, the complement: ZNF423 is on the minus strand). VCF-style: chr16-49635859-C-T. GRCh37 (hg19) VCF-style: chr16-49669770-C-T.
Other names: c.3113G>A, p.Arg1038His (NM_001271620.2); c.2942G>A, p.Arg981His (NM_001330533.2); c.3293G>A, p.Arg1098His (NM_015069.5); short protein forms R1098H, R1106H, R981H, R1038H.
Identifiers: ClinVar variation 1370593 (VCV001370593.6), dbSNP rs147483451, ClinGen allele CA8046338.

ClinVar aggregate classification (germline): Uncertain significance. Review status: criteria provided, multiple submitters, no conflicts (2 of 4 stars). 2 submissions from 2 submitters: Uncertain significance (2). Last evaluated 2022-12-21.

Conditions:
Nephronophthisis 14 (NPHP14). Identifiers: Orphanet 2318, MedGen C3539071, MONDO:0013916, OMIM 614844.

Allele frequency attached by ClinVar (database versions not stated): ExAC 0.00001; TOPMed 0.00001; ESP Exome Variant Server 0.00008.
gnomAD v4.1: 14 of 1,592,606 alleles (0.00088%); highest among the groups gnomAD compares: Non-Finnish European, 0.0011%; no homozygotes.

Submissions (2):

Blueprint Genetics
Classification: Uncertain significance. Last evaluated: 2022-12-21. Review status: criteria provided, single submitter. Criteria: ACMG Guidelines, 2015. Collection method: clinical testing. Allele origin: germline.

Labcorp Genetics (formerly Invitae), Labcorp
Classification: Uncertain significance for Nephronophthisis 14. Last evaluated: 2021-08-24. Review status: criteria provided, single submitter. Criteria: Invitae Variant Classification Sherloc (09022015). Collection method: clinical testing. Allele origin: germline.
Comment: This sequence change replaces arginine with histidine at codon 1098 of the ZNF423 protein (p.Arg1098His). The arginine residue is highly conserved and there is a small physicochemical difference between arginine and histidine. This variant is present in population databases (rs147483451, ExAC 0.002%). This variant has not been reported in the literature in individuals affected with ZNF423-related conditions. Algorithms developed to predict the effect of missense changes on protein structure and function are either unavailable or do not agree on the potential impact of this missense change (SIFT: "Deleterious"; PolyPhen-2: "Possibly Damaging"; Align-GVGD: "Class C0"). In summary, the available evidence is currently insufficient to determine the role of this variant in disease. Therefore, it has been classified as a Variant of Uncertain Significance.